The following is an entry in ClinVar:

NM_001163435.3(TBCK):c.1412T>C (p.Met471Thr)

Gene: TBCK (TBC1 domain containing kinase; minus strand). Cytogenetic location: 4q24.
Variant type: single nucleotide variant.
Coding change: c.1412T>C on transcript NM_001163435.3 (MANE Select); coding-DNA position 1412, T replaced by C.
Protein change: p.Met471Thr; replaces methionine 471 with threonine.
Molecular consequence: missense variant.
Genome position (GRCh38, 1-based): chr4:106,235,306, A>G on the plus strand (T>C on the coding strand, the complement: TBCK is on the minus strand). VCF-style: chr4-106235306-A-G. GRCh37 (hg19) VCF-style: chr4-107156463-A-G.
Other names: c.1412T>C, p.Met471Thr (NM_001163436.4); c.1295T>C, p.Met432Thr (NM_001163437.3); c.896T>C, p.Met299Thr (NM_001290768.2); c.1223T>C, p.Met408Thr (NM_033115.5); c.1412T>C (NM_001163435.1); short protein forms M408T, M471T, M299T, M432T.
Identifiers: ClinVar variation 2137854 (VCV002137854.2), dbSNP rs761669262, ClinGen allele CA3035076.

ClinVar aggregate classification (germline): Uncertain significance. Review status: criteria provided, multiple submitters, no conflicts (2 of 4 stars). 2 submissions from 2 submitters: Uncertain significance (2). Last evaluated 2024-10-25.

Conditions:
Inborn genetic diseases. Identifiers: MedGen C0950123, MeSH D030342.

Allele frequency attached by ClinVar (database versions not stated): gnomAD exomes 0.00001; ExAC 0.00002; gnomAD 0.00002; TOPMed 0.00004.
gnomAD v4.1: 10 of 1,611,014 alleles (0.00062%); highest among the groups gnomAD compares: Admixed American, 0.012%; no homozygotes.

Submissions (2):

Ambry Genetics
Classification: Uncertain significance for Inborn genetic diseases. Last evaluated: 2024-10-25. Review status: criteria provided, single submitter. Criteria: Ambry Variant Classification Scheme 2023. Collection method: clinical testing. Allele origin: germline.

Labcorp Genetics (formerly Invitae), Labcorp
Classification: Uncertain significance. Last evaluated: 2022-10-14. Review status: criteria provided, single submitter. Criteria: Invitae Variant Classification Sherloc (09022015). Collection method: clinical testing. Allele origin: germline.
Comment: This sequence change replaces methionine, which is neutral and non-polar, with threonine, which is neutral and polar, at codon 471 of the TBCK protein (p.Met471Thr). This variant is present in population databases (rs761669262, gnomAD 0.01%). This variant has not been reported in the literature in individuals affected with TBCK-related conditions. Advanced modeling of protein sequence and biophysical properties (such as structural, functional, and spatial information, amino acid conservation, physicochemical variation, residue mobility, and thermodynamic stability) performed at Invitae indicates that this missense variant is not expected to disrupt TBCK protein function. In summary, the available evidence is currently insufficient to determine the role of this variant in disease. Therefore, it has been classified as a Variant of Uncertain Significance.